The following is an entry in ClinVar:

NM_001365951.3(KIF1B):c.4174G>T (p.Asp1392Tyr)

Gene: KIF1B (kinesin family member 1B; plus strand). Cytogenetic location: 1p36.22.
Variant type: single nucleotide variant.
Coding change: c.4174G>T on transcript NM_001365951.3 (MANE Select); coding-DNA position 4174, G replaced by T.
Protein change: p.Asp1392Tyr; replaces aspartic acid 1392 with tyrosine.
Molecular consequence: missense variant.
Genome position (GRCh38, 1-based): chr1:10,361,695, G>T. VCF-style: chr1-10361695-G-T. GRCh37 (hg19) VCF-style: chr1-10421753-G-T.
Other names: c.4174G>T, p.Asp1392Tyr (NM_001365952.1); c.4036G>T, p.Asp1346Tyr (NM_015074.3); short protein forms D1346Y, D1392Y.
Identifiers: ClinVar variation 1737241 (VCV001737241.2), dbSNP rs1232678512, ClinGen allele CA338316891.

ClinVar aggregate classification (germline): Uncertain significance (1 of 4 stars; one submission).

Submission:

Ambry Genetics
Classification: Uncertain significance. Last evaluated: 2023-11-09. Review status: criteria provided, single submitter. Criteria: Ambry Variant Classification Scheme 2023. Collection method: clinical testing. Allele origin: germline.
Comment: The p.D1346Y variant (also known as c.4036G>T), located in coding exon 37 of the KIF1B gene, results from a G to T substitution at nucleotide position 4036. The aspartic acid at codon 1346 is replaced by tyrosine, an amino acid with highly dissimilar properties. This amino acid position is highly conserved in available vertebrate species. In addition, this alteration is predicted to be deleterious by in silico analysis. Since supporting evidence is limited at this time, the clinical significance of this alteration remains unclear.